The following is an entry in ClinVar:

NM_003597.5(KLF11):c.608_609delinsAG (p.Gly203Glu)

Gene: KLF11 (KLF transcription factor 11; plus strand). Cytogenetic location: 2p25.1.
Variant type: Indel.
Coding change: c.608_609delinsAG on transcript NM_003597.5 (MANE Select); coding-DNA positions 608 to 609, GA replaced by AG.
Protein change: p.Gly203Glu; replaces glycine 203 with glutamic acid.
Molecular consequence: missense variant.
Genome position (GRCh38, 1-based): chr2:10,047,945-10,047,946, GA replaced by AG. VCF-style: chr2-10047945-GA-AG. GRCh37 (hg19) VCF-style: chr2-10188072-GA-AG.
Other names: c.557_558delinsAG, p.Gly186Glu (NM_001177716.2, NM_001177718.2); c.608_609delinsAG (NM_003597.4); short protein forms G203E, G186E.
Identifiers: ClinVar variation 393367 (VCV000393367.5), dbSNP rs1057524882, ClinGen allele CA16609240.

ClinVar aggregate classification (germline): Uncertain significance. Review status: criteria provided, multiple submitters, no conflicts (2 of 4 stars). 3 submissions from 3 submitters: Uncertain significance (3). Last evaluated 2026-02-13.

Conditions:
KLF11-related disorder. Also called: KLF11-related condition.
Monogenic diabetes. Identifiers: Orphanet 183625, MedGen C3888631, MONDO:0015967.

Submissions (3):

PreventionGenetics, part of Exact Sciences
Classification: Uncertain significance for KLF11-related condition. Last evaluated: 2026-02-13. Review status: criteria provided, single submitter. Criteria: ACMG Guidelines, 2015. Collection method: clinical testing. Allele origin: germline.
Comment: The KLF11 c.608_609delinsAG variant is predicted to result in an in-frame deletion and insertion. To our knowledge, this variant has not been reported in the literature. Of note, this variant is also listed as two individual SNPs (c.608G>A and c.609A>G) in gnomAD and are found in cis (the same allele) in 9 individuals. At this time, the clinical significance of this variant is uncertain due to the absence of conclusive functional and genetic evidence.

Labcorp Genetics (formerly Invitae), Labcorp
Classification: Uncertain significance. Last evaluated: 2025-06-14. Review status: criteria provided, single submitter. Criteria: Invitae Variant Classification Sherloc (09022015). Collection method: clinical testing. Allele origin: germline.
Comment: This sequence change replaces glycine, which is neutral and non-polar, with glutamic acid, which is acidic and polar, at codon 203 of the KLF11 protein (p.Gly203Glu). This variant is present in population databases (no rsID available, gnomAD 0.003%). This variant has not been reported in the literature in individuals affected with KLF11-related conditions. ClinVar contains an entry for this variant (Variation ID: 393367). An algorithm developed to predict the effect of missense changes on protein structure and function (PolyPhen-2) suggests that this variant is likely to be tolerated. In summary, the available evidence is currently insufficient to determine the role of this variant in disease. Therefore, it has been classified as a Variant of Uncertain Significance.

Personalized Diabetes Medicine Program, University of Maryland School of Medicine
Classification: Uncertain significance for Monogenic diabetes. Last evaluated: 2016-04-08. Review status: criteria provided, single submitter. Criteria: ACMG Guidelines, 2015. Collection method: research. Allele origin: unknown. Observed: 1 variant allele, 1 heterozygote.
Comment: ACMG Criteria: PM2, PP3, BP4